The following is an entry in ClinVar:

NM_001854.4(COL11A1):c.3748G>A (p.Gly1250Ser)

Gene: COL11A1 (collagen type XI alpha 1 chain; minus strand). Cytogenetic location: 1p21.1.
Variant type: single nucleotide variant.
Coding change: c.3748G>A on transcript NM_001854.4 (MANE Select); coding-DNA position 3748, G replaced by A.
Protein change: p.Gly1250Ser; replaces glycine 1250 with serine.
Molecular consequence: missense variant. On other transcripts: non-coding transcript variant (1).
Genome position (GRCh38, 1-based): chr1:102,920,325, C>T on the plus strand (G>A on the coding strand, the complement: COL11A1 is on the minus strand). VCF-style: chr1-102920325-C-T. GRCh37 (hg19) VCF-style: chr1-103385881-C-T.
Other names: c.3631G>A, p.Gly1211Ser (NM_001190709.2); c.3784G>A, p.Gly1262Ser (NM_080629.3); c.3400G>A, p.Gly1134Ser (NM_080630.4); short protein forms G1134S, G1211S, G1250S, G1262S.
Identifiers: ClinVar variation 1326712 (VCV001326712.2), dbSNP rs2101066582, ClinGen allele CA341163724.

ClinVar aggregate classification (germline): Uncertain significance (1 of 4 stars; one submission).

gnomAD v4.1: 1 of 1,613,220 alleles (0.000062%); no homozygotes.

Submission:

GeneDx
Classification: Uncertain significance. Last evaluated: 2021-05-28. Review status: criteria provided, single submitter. Criteria: GeneDx Variant Classification Process June 2021. Collection method: clinical testing. Allele origin: germline. Affected: yes.
Comment: Not observed at significant frequency in large population cohorts (Lek et al., 2016); In silico analysis supports that this missense variant does not alter protein structure/function; Has not been previously published as pathogenic or benign to our knowledge; This variant is associated with the following publications: (PMID: 27535533)